The following is an entry in ClinVar:

ClinVar aggregate classification (germline): Pathogenic (1 of 4 stars; one submission).

Submission:

Labcorp Genetics (formerly Invitae), Labcorp
Classification: Pathogenic. Last evaluated: 2023-06-07. Review status: criteria provided, single submitter. Criteria: Invitae Variant Classification Sherloc (09022015). Collection method: clinical testing. Allele origin: germline.
Comment: For these reasons, this variant has been classified as Pathogenic. This variant has not been reported in the literature in individuals affected with IFNAR2-related conditions. This variant is not present in population databases (gnomAD no frequency). This sequence change creates a premature translational stop signal (p.Leu168Argfs*3) in the IFNAR2 gene. It is expected to result in an absent or disrupted protein product. Loss-of-function variants in IFNAR2 are known to be pathogenic (PMID: 26424569, 33193576).

Literature cited by the submitters: PubMed 26424569; PubMed 33193576.

NM_001289125.3(IFNAR2):c.503_504del (p.Leu168fs)

Genes: IFNAR2 (interferon alpha and beta receptor subunit 2; plus strand), IFNAR2-IL10RB (IFNAR2-IL10RB readthrough; plus strand). Cytogenetic location: 21q22.11.
Variant type: Microsatellite.
Coding change: c.503_504del on transcript NM_001289125.3 (MANE Select); coding-DNA positions 503 to 504, 2 bases deleted (TC; older notation c.503_504delTC).
Protein change: p.Leu168fs; shifts the reading frame from leucine 168.
Molecular consequence: frameshift variant.
Genome position (GRCh38, 1-based): chr21:33,248,817-33,248,818, TC deleted; deleting any 2 consecutive bases within chr21:33,248,813-33,248,818 gives the same sequence; the c. name uses the placement nearest the transcript's 3' end. VCF-style (leftmost placement, unchanged base first): chr21-33248812-ATC-A. GRCh37 (hg19) VCF-style: chr21-34621117-ATC-A.
Other names: c.503_504del, p.Leu168fs (NM_001414505.1, NM_000874.5, NM_001289126.2 and 5 more transcripts); short protein forms L168fs.
Identifiers: ClinVar variation 2847928 (VCV002847928.3), dbSNP rs2516718524, ClinGen allele CA2577477817.